The following is an entry in ClinVar:

ClinVar aggregate classification (germline): Uncertain significance. Review status: criteria provided, multiple submitters, no conflicts (2 of 4 stars). 3 submissions from 3 submitters: Uncertain significance (3). Last evaluated 2026-06-01.

Conditions:
HK1-related disorder. Also called: HK1-related condition; HK1-related disorders.

Allele frequency attached by ClinVar (database versions not stated): ExAC 0.00002; TOPMed 0.00002; gnomAD 0.00003; gnomAD exomes 0.00003 and 0.00004.

Submissions (3):

CeGaT Center for Human Genetics Tuebingen
Classification: Uncertain significance. Last evaluated: 2026-06-01. Review status: criteria provided, single submitter. Criteria: CeGaT Center For Human Genetics Tuebingen Variant Classification Criteria Version 2. Collection method: clinical testing. Allele origin: germline. Affected: yes. Observed: 1 variant allele.

PreventionGenetics, part of Exact Sciences
Classification: Uncertain significance for HK1-related condition. Last evaluated: 2026-03-17. Review status: criteria provided, single submitter. Criteria: ACMG Guidelines, 2015. Collection method: clinical testing. Allele origin: germline.
Comment: The HK1 c.316C>T variant is predicted to result in the amino acid substitution p.His106Tyr. To our knowledge, this variant has not been reported in the literature. This variant is reported in 0.023% of alleles in individuals of Latino descent in gnomAD. At this time, the clinical significance of this variant is uncertain due to the absence of conclusive functional and genetic evidence.

Labcorp Genetics (formerly Invitae), Labcorp
Classification: Uncertain significance. Last evaluated: 2026-01-11. Review status: criteria provided, single submitter. Criteria: Invitae Variant Classification Sherloc (09022015). Collection method: clinical testing. Allele origin: germline.
Comment: This sequence change replaces histidine, which is basic and polar, with tyrosine, which is neutral and polar, at codon 106 of the HK1 protein (p.His106Tyr). This variant is present in population databases (rs761659786, gnomAD 0.02%). This variant has not been reported in the literature in individuals affected with HK1-related conditions. ClinVar contains an entry for this variant (Variation ID: 1404044). Invitae Evidence Modeling of protein sequence and biophysical properties (such as structural, functional, and spatial information, amino acid conservation, physicochemical variation, residue mobility, and thermodynamic stability) indicates that this missense variant is not expected to disrupt HK1 protein function with a negative predictive value of 80%. In summary, the available evidence is currently insufficient to determine the role of this variant in disease. Therefore, it has been classified as a Variant of Uncertain Significance.

NM_000188.3(HK1):c.316C>T (p.His106Tyr)

Gene: HK1 (hexokinase 1; plus strand). Cytogenetic location: 10q22.1.
Variant type: single nucleotide variant.
Coding change: c.316C>T on transcript NM_000188.3 (MANE Select); coding-DNA position 316, C replaced by T.
Protein change: p.His106Tyr; replaces histidine 106 with tyrosine.
Molecular consequence: missense variant.
Genome position (GRCh38, 1-based): chr10:69,359,986, C>T. VCF-style: chr10-69359986-C-T. GRCh37 (hg19) VCF-style: chr10-71119742-C-T.
Other names: c.328C>T, p.His110Tyr (NM_033498.3, NM_001322364.2, NM_001358263.1 and 1 more transcripts); c.280C>T, p.His94Tyr (NM_033500.2); c.316C>T (NM_000188.2); c.421C>T, p.His141Tyr (NM_001322365.2); c.232C>T, p.His78Tyr (NM_001322366.1); c.316C>T, p.His106Tyr (NM_001322367.1); c.313C>T, p.His105Tyr (NM_033496.3); short protein forms H78Y, H141Y, H105Y, H106Y, H110Y, H94Y.
Identifiers: ClinVar variation 1404044 (VCV001404044.11), dbSNP rs761659786, ClinGen allele CA5532274.